The following is an entry in ClinVar:

ClinVar aggregate classification (germline): Conflicting classifications of pathogenicity. Review status: criteria provided, conflicting classifications (1 of 4 stars). 4 submissions from 4 submitters: Uncertain significance (3); Likely benign (1). Last evaluated 2025-08-12.

Conditions:
Cleidocranial dysostosis (CLCD1). Also called: Cleidocranial Dysplasia Spectrum Disorder; Marie-Sainton disease; cleidocranial dysplasia 1. Identifiers: Orphanet 1452, MedGen C0008928, MONDO:0007340, OMIM 119600.

Submissions (4):

Labcorp Genetics (formerly Invitae), Labcorp
Classification: Uncertain significance. Last evaluated: 2025-08-12. Review status: criteria provided, single submitter. Criteria: Invitae Variant Classification Sherloc (09022015). Collection method: clinical testing. Allele origin: germline.
Comment: This variant, c.174_188dup, results in the insertion of 5 amino acid(s) of the RUNX2 protein (p.Gln67_Gln71dup), but otherwise preserves the integrity of the reading frame. The frequency data for this variant in the population databases is considered unreliable, as metrics indicate poor data quality at this position in the gnomAD database. This variant has not been reported in the literature in individuals affected with RUNX2-related conditions. Experimental studies and prediction algorithms are not available or were not evaluated, and the functional significance of this variant is currently unknown. In summary, the available evidence is currently insufficient to determine the role of this variant in disease. Therefore, it has been classified as a Variant of Uncertain Significance.

Blueprint Genetics
Classification: Likely benign. Last evaluated: 2024-10-11. Review status: criteria provided, single submitter. Criteria: ACMG Guidelines, 2015. Collection method: clinical testing. Allele origin: germline.

ARUP Laboratories, Molecular Genetics and Genomics, ARUP Laboratories
Classification: Uncertain significance. Last evaluated: 2021-01-29. Review status: criteria provided, single submitter. Criteria: ARUP Molecular Germline Variant Investigation Process 2021. Collection method: clinical testing. Allele origin: germline.
Comment: The RUNX2 c.174_188dup; p.Gln67_Gln71dup variant (rs781355841), to our knowledge, is not reported in the medical literature but is reported in ClinVar (Variation ID: 548496). This variant is found on seven chromosomes (7/267942 alleles) in the Genome Aggregation Database. This variant duplicates five glutamine residues in a polyglutamine tract, leaving the rest of the protein in-frame. Due to limited information, the clinical significance of the p.Gln67_Gln71dup variant is uncertain at this time.

Genomic Research Center, Shahid Beheshti University of Medical Sciences
Classification: Uncertain significance for Cleidocranial dysostosis. Last evaluated: 2018-03-05. Review status: criteria provided, single submitter. Criteria: ACMG Guidelines, 2015. Collection method: clinical testing. Allele origin: inherited. Affected: yes. Observed: 1 variant allele.

NM_001024630.4(RUNX2):c.159ACAGCAGCAGCAGCA[3] (p.Gln67_Gln71dup)

Genes: RUNX2 (RUNX family transcription factor 2; plus strand), LOC109611589 (runt related transcription factor 2 polyalanine expansion region; plus strand). Cytogenetic location: 6p21.1.
Variant type: Microsatellite.
Coding change: c.159ACAGCAGCAGCAGCA[3] on transcript NM_001024630.4 (MANE Select); three copies in a row of the 15-base unit ACAGCAGCAGCAGCA starting at c.159; the reference has two copies in a row; one copy, 15 bases duplicated.
Protein change: p.Gln67_Gln71dup.
Molecular consequence: inframe insertion.
Genome position (GRCh38, 1-based): chr6:45,422,708-45,422,722, ACAGCAGCAGCAGCA duplicated; duplicating any 15 consecutive bases within chr6:45,422,682-45,422,722 gives the same sequence; the position shown is the placement nearest the transcript's 3' end. VCF-style (leftmost placement, unchanged base first): chr6-45422681-A-ACAGCAGCAGCAACAG. GRCh37 (hg19) VCF-style: chr6-45390418-A-ACAGCAGCAGCAACAG.
Other names: c.159ACAGCAGCAGCAGCA[3], p.Gln67_Gln71dup (NM_001015051.4); c.117ACAGCAGCAGCAGCA[3], p.Gln53_Gln57dup (NM_001278478.2, NM_001369405.1).
Identifiers: ClinVar variation 548496 (VCV000548496.17), dbSNP rs781355841, ClinGen allele CA3836270.